The following is an entry in ClinVar:

ClinVar aggregate classification (germline): Uncertain significance (1 of 4 stars; one submission).

Submission:

GeneDx
Classification: Uncertain significance. Last evaluated: 2025-05-06. Review status: criteria provided, single submitter. Criteria: GeneDx Variant Classification Process June 2021. Collection method: clinical testing. Allele origin: germline. Affected: yes.
Comment: Not observed at significant frequency in large population cohorts (gnomAD); In silico analysis supports that this missense variant has a deleterious effect on protein structure/function; Has not been previously published as pathogenic or benign to our knowledge

NM_006852.6(TLK2):c.1316G>A (p.Arg439Lys)

Gene: TLK2 (tousled like kinase 2; plus strand). Cytogenetic location: 17q23.2.
Variant type: single nucleotide variant.
Coding change: c.1316G>A on transcript NM_006852.6 (MANE Select); coding-DNA position 1316, G replaced by A.
Protein change: p.Arg439Lys; replaces arginine 439 with lysine.
Molecular consequence: missense variant.
Genome position (GRCh38, 1-based): chr17:62,580,140, G>A. VCF-style: chr17-62580140-G-A. GRCh37 (hg19) VCF-style: chr17-60657501-G-A.
Other names: c.1220G>A, p.Arg407Lys (NM_001284363.1, NM_001375272.1, NM_001438203.1 and 1 more transcripts); c.869G>A, p.Arg290Lys (NM_001330418.3, NM_001375273.1); c.1358G>A, p.Arg453Lys (NM_001375269.1); c.1316G>A, p.Arg439Lys (NM_001375270.1, NM_001375271.1); c.1031G>A, p.Arg344Lys (NM_001411074.1); c.1382G>A, p.Arg461Lys (NM_001284333.3); c.1127G>A, p.Arg376Lys (NM_001438205.1); short protein forms R290K, R344K, R376K, R407K, R439K, R453K, R461K.
Identifiers: ClinVar variation 4527659 (VCV004527659.1).
Genomic context (GRCh38, chr17:62,580,140, plus strand): 5'-TCAGGGTGTTACATGTTCCCTGTTTCCACAGATTTAAAGATCATCCAACGCTAAATGACA[G>A]ATATTTGTTGTTACATCTTTTGGGTAGAGGAGGTTTCAGTGAAGTTTACAAGGTAAGTAT-3'
Protein context (NP_006843.2, residues 429-449): QFKDHPTLND[Arg439Lys]YLLLHLLGRG